The following is an entry in ClinVar:

ClinVar aggregate classification (germline): Likely benign (0 of 4 stars; one submission).

Conditions:
NRXN3-related disorder. Also called: NRXN3-related condition.

gnomAD v4.1: 34 of 1,534,822 alleles (0.0022%); highest among the groups gnomAD compares: Admixed American, 0.039%; no homozygotes.

Submission:

PreventionGenetics, part of Exact Sciences
Classification: Likely benign for NRXN3-related condition. Last evaluated: 2019-02-20. Review status: no assertion criteria provided. Collection method: clinical testing. Allele origin: germline.
Comment: This variant is classified as likely benign based on ACMG/AMP sequence variant interpretation guidelines (Richards et al. 2015 PMID: 25741868, with internal and published modifications).

NM_001330195.2(NRXN3):c.727+10T>G

Gene: NRXN3 (neurexin 3; plus strand). Cytogenetic location: 14q24.3.
Variant type: single nucleotide variant.
Coding change: c.727+10T>G on transcript NM_001330195.2 (MANE Select); 10 bases into the intron after coding-DNA position 727, T replaced by G.
Molecular consequence: intron variant.
Genome position (GRCh38, 1-based): chr14:78,278,672, T>G. VCF-style: chr14-78278672-T-G. GRCh37 (hg19) VCF-style: chr14-78745015-T-G.
Other names: c.727+10T>G (NM_001366426.1, NM_001366425.1).
Identifiers: ClinVar variation 3047818 (VCV003047818.2), dbSNP rs1036198630, ClinGen allele CA264073389.